The following is an entry in ClinVar:

NM_022489.4(INF2):c.3365C>G (p.Pro1122Arg)

Gene: INF2 (inverted formin 2; plus strand). Cytogenetic location: 14q32.33.
Variant type: single nucleotide variant.
Coding change: c.3365C>G on transcript NM_022489.4 (MANE Select); coding-DNA position 3365, C replaced by G.
Protein change: p.Pro1122Arg; replaces proline 1122 with arginine.
Molecular consequence: missense variant. On other transcripts: non-coding transcript variant (1).
Genome position (GRCh38, 1-based): chr14:104,714,527, C>G. VCF-style: chr14-104714527-C-G. GRCh37 (hg19) VCF-style: chr14-105180864-C-G.
Other names: c.3365C>G, p.Pro1122Arg (NM_001031714.4, NM_001426862.1, NM_001426863.1 and 2 more transcripts); short protein forms P1122R.
Identifiers: ClinVar variation 3748798 (VCV003748798.2).

ClinVar aggregate classification (germline): Uncertain significance (1 of 4 stars; one submission).

Conditions:
Focal segmental glomerulosclerosis 5 (FSGS5). Identifiers: Orphanet 656, MedGen C2750475, MONDO:0013191, OMIM 613237.
Charcot-Marie-Tooth disease dominant intermediate E. Also called: CHARCOT-MARIE-TOOTH NEUROPATHY WITH FOCAL SEGMENTAL GLOMERULONEPHRITIS. Identifiers: Orphanet 93114, MedGen C4302667, MONDO:0013758, OMIM 614455.

gnomAD v4.1: 3 of 1,612,718 alleles (0.00019%); highest among the groups gnomAD compares: Non-Finnish European, 0.00025%; no homozygotes.

Submission:

Labcorp Genetics (formerly Invitae), Labcorp
Classification: Uncertain significance for Charcot-Marie-Tooth disease dominant intermediate E; Focal segmental glomerulosclerosis 5. Last evaluated: 2024-10-02. Review status: criteria provided, single submitter. Criteria: Invitae Variant Classification Sherloc (09022015). Collection method: clinical testing. Allele origin: germline.
Comment: This sequence change replaces proline, which is neutral and non-polar, with arginine, which is basic and polar, at codon 1122 of the INF2 protein (p.Pro1122Arg). This variant is not present in population databases (gnomAD no frequency). This variant has not been reported in the literature in individuals affected with INF2-related conditions. Invitae Evidence Modeling of protein sequence and biophysical properties (such as structural, functional, and spatial information, amino acid conservation, physicochemical variation, residue mobility, and thermodynamic stability) indicates that this missense variant is not expected to disrupt INF2 protein function with a negative predictive value of 95%. In summary, the available evidence is currently insufficient to determine the role of this variant in disease. Therefore, it has been classified as a Variant of Uncertain Significance.